The following is an entry in ClinVar:

ClinVar aggregate classification (germline): Uncertain significance. Review status: criteria provided, multiple submitters, no conflicts (2 of 4 stars). 2 submissions from 2 submitters: Uncertain significance (2). Last evaluated 2025-10-08.

Conditions:
Gorlin syndrome. Also called: Nevoid Basal Cell Carcinoma Syndrome; Basal cell nevus syndrome. Identifiers: Orphanet 377, MedGen C0004779, MONDO:0007187.

Allele frequency attached by ClinVar (database versions not stated): gnomAD 0.00002; TOPMed 0.00003; gnomAD exomes 0.00005.
gnomAD v4.1: 32 of 1,550,170 alleles (0.0021%); highest among the groups gnomAD compares: Middle Eastern, 0.017%; no homozygotes.

Submissions (2):

Labcorp Genetics (formerly Invitae), Labcorp
Classification: Uncertain significance for Gorlin syndrome. Last evaluated: 2025-10-08. Review status: criteria provided, single submitter. Criteria: Invitae Variant Classification Sherloc (09022015). Collection method: clinical testing. Allele origin: germline.
Comment: This sequence change replaces glutamine, which is neutral and polar, with glutamic acid, which is acidic and polar, at codon 24 of the PTCH2 protein (p.Gln24Glu). This variant is present in population databases (no rsID available, gnomAD 0.05%). This variant has not been reported in the literature in individuals affected with PTCH2-related conditions. ClinVar contains an entry for this variant (Variation ID: 568092). An algorithm developed to predict the effect of missense changes on protein structure and function (PolyPhen-2) suggests that this variant is likely to be tolerated. In summary, the available evidence is currently insufficient to determine the role of this variant in disease. Therefore, it has been classified as a Variant of Uncertain Significance.

Women's Health and Genetics/Laboratory Corporation of America, LabCorp
Classification: Uncertain significance. Last evaluated: 2023-10-19. Review status: criteria provided, single submitter. Criteria: LabCorp Variant Classification Summary - May 2015. Collection method: clinical testing. Allele origin: germline.
Comment: Variant summary: PTCH2 c.70C>G (p.Gln24Glu) results in a conservative amino acid change in the encoded protein sequence and is close to the canonical splicing donor site of intron 1. Three of five in-silico tools predict a damaging effect of the variant on protein function. Consensus agreement among computation tools predict no significant impact on normal splicing. However, these predictions have yet to be confirmed by functional studies. The variant allele was found at a frequency of 4.5e-05 in 155326 control chromosomes. The available data on variant occurrences in the general population are insufficient to allow any conclusion about variant significance. To our knowledge, no occurrence of c.70C>G in individuals affected with Basal Cell Carcinoma, Susceptibility To, 1 and no experimental evidence demonstrating its impact on protein function have been reported. One submitter has cited clinical-significance assessments for this variant to ClinVar after 2014 and has classified the variant as uncertain significance. Based on the evidence outlined above, the variant was classified as uncertain significance.

NM_003738.5(PTCH2):c.70C>G (p.Gln24Glu)

Gene: PTCH2 (patched 2; minus strand). Cytogenetic location: 1p34.1.
Variant type: single nucleotide variant.
Coding change: c.70C>G on transcript NM_003738.5 (MANE Select); coding-DNA position 70, C replaced by G.
Protein change: p.Gln24Glu; replaces glutamine 24 with glutamic acid.
Molecular consequence: missense variant.
Genome position (GRCh38, 1-based): chr1:44,842,863, G>C on the plus strand (C>G on the coding strand, the complement: PTCH2 is on the minus strand). VCF-style: chr1-44842863-G-C. GRCh37 (hg19) VCF-style: chr1-45308535-G-C.
Other names: c.70C>G, p.Gln24Glu (NM_001166292.2); short protein forms Q24E.
Identifiers: ClinVar variation 568092 (VCV000568092.12), dbSNP rs1038343665, ClinGen allele CA21760394.